The following is an entry in ClinVar:

NM_000540.3(RYR1):c.14425T>C (p.Phe4809Leu)

Gene: RYR1 (ryanodine receptor 1; plus strand). Cytogenetic location: 19q13.2.
Variant type: single nucleotide variant.
Coding change: c.14425T>C on transcript NM_000540.3 (MANE Select); coding-DNA position 14425, T replaced by C.
Protein change: p.Phe4809Leu; replaces phenylalanine 4809 with leucine.
Molecular consequence: missense variant.
Genome position (GRCh38, 1-based): chr19:38,580,042, T>C. VCF-style: chr19-38580042-T-C. GRCh37 (hg19) VCF-style: chr19-39070682-T-C.
Other names: c.14410T>C, p.Phe4804Leu (NM_001042723.2); short protein forms F4804L, F4809L.
Identifiers: ClinVar variation 4758137 (VCV004758137.1).
Genomic context (GRCh38, chr19:38,580,042, plus strand): 5'-TCCTTCCTGTACCTGGGCTGGTATATGGTGATGTCCCTCTTGGGACACTACAACAACTTC[T>C]TCTTTGCTGCCCATCTCCTGGACATCGCCATGGGGGTCAAGACGCTGCGCACCATCCTGT-3'
Protein context (NP_000531.2, residues 4799-4819): MSLLGHYNNF[Phe4809Leu]FAAHLLDIAM

ClinVar aggregate classification (germline): Uncertain significance (1 of 4 stars; one submission).

Conditions:
Malignant hyperthermia, susceptibility to, 1 (MHS1). Also called: RYR1-Related Malignant Hyperthermia Susceptibility; Malignant hyperthermia suceptibility 1; Anesthesia related hyperthermia; Malignant hyperpyrexia; Fulminating hyperpyrexia; Pharmacogenic myopathy. Identifiers: Orphanet 423, MedGen C2930980, MONDO:0007783, OMIM 145600.

Submission:

Color Diagnostics, LLC DBA Color Health
Classification: Uncertain significance for Malignant hyperthermia, susceptibility to, 1. Last evaluated: 2025-10-12. Review status: criteria provided, single submitter. Criteria: ACMG Guidelines, 2015. Collection method: clinical testing. Allele origin: germline.
Comment: This missense variant replaces phenylalanine with leucine at codon 4809 of the RYR1 protein. Computational prediction suggests that this variant may have deleterious impact on protein structure and function. To our knowledge, functional studies have not been reported for this variant. This variant has not been reported in individuals affected with RYR1-related disorders in the literature. This variant has not been identified in the general population by the Genome Aggregation Database (gnomAD). The available evidence is insufficient to determine the role of this variant in disease conclusively. Therefore, this variant is classified as a Variant of Uncertain Significance.